The following is an entry in ClinVar:

NM_001918.5(DBT):c.126T>A (p.Tyr42Ter)

Gene: DBT (dihydrolipoamide branched chain transacylase E2; minus strand). Cytogenetic location: 1p21.2.
Variant type: single nucleotide variant.
Coding change: c.126T>A on transcript NM_001918.5 (MANE Select); coding-DNA position 126, T replaced by A.
Protein change: p.Tyr42Ter; replaces tyrosine 42 with a stop codon.
Molecular consequence: nonsense.
Genome position (GRCh38, 1-based): chr1:100,240,810, A>T on the plus strand (T>A on the coding strand, the complement: DBT is on the minus strand). VCF-style: chr1-100240810-A-T. GRCh37 (hg19) VCF-style: chr1-100706366-A-T.
Other names: short protein forms Y42*.
Identifiers: ClinVar variation 983643 (VCV000983643.3), dbSNP rs794727262, ClinGen allele CA341346937.

ClinVar aggregate classification (germline): Likely pathogenic (1 of 4 stars; one submission).

Conditions:
Maple syrup urine disease (MSUD). Identifiers: Orphanet 511, MedGen C0024776, MeSH D008375, MONDO:0009563. Disease mechanism: loss of function.

Submission:

Myriad Genetics, Inc.
Classification: Likely pathogenic for Maple syrup urine disease type 1A. Last evaluated: 2019-04-23. Review status: criteria provided, single submitter. Criteria: Myriad Women's Health Autosomal Recessive and X-Linked Classification Criteria (2019). Collection method: clinical testing. Allele origin: unknown.
Comment: NM_001918.3(DBT):c.126T>A(Y42*) is expected to be pathogenic in the context of maple syrup urine disease type II. This variant is predicted to lead to an abnormal or absent protein product due to the creation of a premature termination codon in DBT, a gene where loss-of-function variants are known to be pathogenic. Please note: this variant was assessed in the context of healthy population screening.